The following continues an entry in ClinVar:

NM_001283009.2(RTEL1):c.2869C>T (p.Arg957Trp)

ClinVar aggregate classification (germline): Conflicting classifications of pathogenicity. Pathogenic (1); Likely pathogenic (8); Uncertain significance (1).

Submissions 7 to 12 of 12:

Victorian Clinical Genetics Services, Murdoch Childrens Research Institute
Classification: Pathogenic for Pulmonary fibrosis and/or bone marrow failure, Telomere-related, 3. Last evaluated: 2024-10-10. Review status: criteria provided, single submitter. Criteria: ACMG Guidelines, 2015. Collection method: clinical testing. Allele origin: germline. Inheritance: Autosomal dominant inheritance. Affected: yes.
Comment: Based on the classification scheme VCGS_Germline_v1.3.5, this variant is classified as Pathogenic. Following criteria are met: 0102 - Loss of function is a known mechanism of disease in this gene and is associated with autosomal dominant dyskeratosis congenita 4 and autosomal recessive dyskeratosis congenita 5 (MIM#615190), and autosomal dominant pulmonary fibrosis and/or bone marrow failure syndrome, telomere-related, 3 (MIM#616373). (I) 0108 - This gene is associated with both recessive and dominant disease. Currently, the genotype-phenotype relationship has not been established (OMIM). (I) 0112 - The condition associated with this gene has incomplete penetrance. Monoallelic pathogenic variants have been reported in asymptomatic family members (PMID: 23329068, 25848748, 35199181). (I) 0115 - Variants in this gene are known to have variable expressivity (OMIM). (I) 0200 - Variant is predicted to result in a missense amino acid change from arginine to tryptophan. (I) 0251 - This variant is heterozygous. (I) 0304 - Variant is present in gnomAD <0.01 for a recessive condition (v4: 69 heterozygotes, 0 homozygotes). (SP) 0309 - Multiple alternative amino acid changes at the same position have been observed in gnomAD (v4) (highest allele count: 31 heterozygotes, 0 homozygotes). (I) 0501 - Missense variant consistently predicted to be damaging by multiple in silico tools or highly conserved with a major amino acid change. (SP) 0604 - Variant is not located in an established domain, motif, hotspot or informative constraint region. (I) 0710 - Other missense variants comparable to the one identified in this case have inconclusive previous evidence for pathogenicity. Two alternative changes, p.(Arg947Gln) and p.(Arg957Pro), have been classified as VUS by clinical laboratories in ClinVar. p.(Arg957Gln) was also observed in a large chronic hypersensitivity pneumonitis cohort (PMID: 31268371). (I) 0801 - This variant has strong previous evidence of pathogenicity in unrelated individuals. This variant has been classified as likely pathogenic by five clinical laboratories and as a VUS by two clinical laboratories in ClinVar. It has been reported in three compound heterozygous families and one homozygous individual with features consistent with autosomal recessive dyskeratosis congenita (PMIDs: 23453664, 29296694). This variant has also been identified in individuals with idiopathic pulmonary fibrosis and interstitial lung disease and has been classified as a VUS and pathogenic (personal communication, PMIDs: 30523160, 32583532). (SP) 1208 - Inheritance information for this variant is not currently available in this individual. (I) Legend: (SP) - Supporting pathogenic, (I) - Information, (SB) - Supporting benign

Baylor Genetics
Classification: Likely pathogenic for Dyskeratosis congenita, autosomal recessive 5. Last evaluated: 2024-03-14. Review status: criteria provided, single submitter. Criteria: ACMG Guidelines, 2015. Collection method: clinical testing. Allele origin: unknown.

GeneDx
Classification: Likely pathogenic. Last evaluated: 2023-12-01. Review status: criteria provided, single submitter. Criteria: GeneDx Variant Classification Process June 2021. Collection method: clinical testing. Allele origin: germline. Affected: yes.
Comment: Observed in the heterozygous state in unrelated patients with pulmonary fibrosis in published literature (PMID: 30523160, 32583532); Published functional studies demonstrate telomere shortening, increased T-circle formation, and replication fork stalling (PMID: 23453664, 29296694, 32398829); In silico analysis supports that this missense variant has a deleterious effect on protein structure/function; Also known as R957W and R734W; This variant is associated with the following publications: (PMID: 30523160, 34183866, 27415407, 28714244, 25940403, 23453664, 32583532, 29296694, 28099038, 24582487, 32398829)

Revvity Omics, Revvity
Classification: Uncertain significance. Last evaluated: 2021-09-27. Review status: criteria provided, single submitter. Criteria: ACMG Guidelines, 2015. Collection method: clinical testing. Allele origin: germline.

Counsyl
Classification: Likely pathogenic for Dyskeratosis congenita, autosomal recessive 5. Last evaluated: 2017-02-02. Review status: no assertion criteria provided. Collection method: clinical testing. Allele origin: unknown. Not counted in ClinVar's aggregate classification.

OMIM
Classification: Pathogenic for DYSKERATOSIS CONGENITA, AUTOSOMAL RECESSIVE 5. Last evaluated: 2013-03-07. Review status: no assertion criteria provided. Collection method: literature only. Allele origin: germline. Not counted in ClinVar's aggregate classification.

Literature cited by the submitters: PubMed 23453664 (cited by 6 submitters); PubMed 29296694 (cited by 4 submitters); PubMed 28495916 (cited by Labcorp Genetics (formerly Invitae), Labcorp); PubMed 34301788 (cited by Labcorp Genetics (formerly Invitae), Labcorp); PubMed 39279213 (cited by Labcorp Genetics (formerly Invitae), Labcorp and Women's Health and Genetics/Laboratory Corporation of America, LabCorp); PubMed 23829372 (cited by Women's Health and Genetics/Laboratory Corporation of America, LabCorp); PubMed 24582487 (cited by Women's Health and Genetics/Laboratory Corporation of America, LabCorp); PubMed 30523160 (cited by Women's Health and Genetics/Laboratory Corporation of America, LabCorp and Victorian Clinical Genetics Services, Murdoch Childrens Research Institute); PubMed 32583532 (cited by Women's Health and Genetics/Laboratory Corporation of America, LabCorp and Victorian Clinical Genetics Services, Murdoch Childrens Research Institute); PubMed 32398829 (cited by Women's Health and Genetics/Laboratory Corporation of America, LabCorp); PubMed 23329068 (cited by Victorian Clinical Genetics Services, Murdoch Childrens Research Institute); PubMed 25848748 (cited by Victorian Clinical Genetics Services, Murdoch Childrens Research Institute); PubMed 31268371 (cited by Victorian Clinical Genetics Services, Murdoch Childrens Research Institute); PubMed 35199181 (cited by Victorian Clinical Genetics Services, Murdoch Childrens Research Institute); PubMed 27415407 (cited by Counsyl).